The following is an entry in ClinVar:

NM_005859.5(PURA):c.249C>T (p.Gly83=)

Gene: PURA (purine rich element binding protein A; plus strand). Cytogenetic location: 5q31.3.
Variant type: single nucleotide variant.
Coding change: c.249C>T on transcript NM_005859.5 (MANE Select); coding-DNA position 249, C replaced by T.
Protein change: p.Gly83=; no amino-acid change (glycine 83 retained).
Molecular consequence: synonymous variant.
Genome position (GRCh38, 1-based): chr5:140,114,430, C>T. VCF-style: chr5-140114430-C-T. GRCh37 (hg19) VCF-style: chr5-139494015-C-T.
Identifiers: ClinVar variation 3654485 (VCV003654485.2).

ClinVar aggregate classification (germline): Uncertain significance (1 of 4 stars; one submission).

Conditions:
PURA-related severe neonatal hypotonia-seizures-encephalopathy syndrome (NEDRIHF). Also called: PURA-Related Neurodevelopmental Disorders; NEURODEVELOPMENTAL DISORDER WITH NEONATAL RESPIRATORY INSUFFICIENCY, HYPOTONIA, AND FEEDING DIFFICULTIES. Identifiers: Orphanet 438213, Orphanet 438216, MedGen C4015357, MONDO:1060108, OMIM 616158, MONDO:0018580.

gnomAD v4.1: 1 of 1,613,102 alleles (0.000062%); no homozygotes.

Submission:

Labcorp Genetics (formerly Invitae), Labcorp
Classification: Uncertain significance for PURA-related severe neonatal hypotonia-seizures-encephalopathy syndrome. Last evaluated: 2024-05-24. Review status: criteria provided, single submitter. Criteria: Invitae Variant Classification Sherloc (09022015). Collection method: clinical testing. Allele origin: germline.
Comment: This sequence change affects codon 83 of the PURA mRNA. It is a 'silent' change, meaning that it does not change the encoded amino acid sequence of the PURA protein. This variant is not present in population databases (gnomAD no frequency). This variant has not been reported in the literature in individuals affected with PURA-related conditions. In summary, the available evidence is currently insufficient to determine the role of this variant in disease. Therefore, it has been classified as a Variant of Uncertain Significance.